The following is an entry in ClinVar:

NM_006767.4(LZTR1):c.364T>C (p.Ser122Pro)

Gene: LZTR1 (leucine zipper like post translational regulator 1; plus strand). Cytogenetic location: 22q11.21.
Variant type: single nucleotide variant.
Coding change: c.364T>C on transcript NM_006767.4 (MANE Select); coding-DNA position 364, T replaced by C.
Protein change: p.Ser122Pro; replaces serine 122 with proline.
Molecular consequence: missense variant.
Genome position (GRCh38, 1-based): chr22:20,987,547, T>C. VCF-style: chr22-20987547-T-C. GRCh37 (hg19) VCF-style: chr22-21341836-T-C.
Other names: short protein forms S122P.
Identifiers: ClinVar variation 3968140 (VCV003968140.2).

ClinVar aggregate classification (germline): Uncertain significance. Review status: criteria provided, multiple submitters, no conflicts (2 of 4 stars). 2 submissions from 2 submitters: Uncertain significance (2). Last evaluated 2025-07-16.

Conditions:
Cardiovascular phenotype. Identifiers: MedGen CN230736.
Hereditary cancer-predisposing syndrome. Also called: Tumor predisposition; Hereditary neoplastic syndrome; Hereditary Cancer Syndrome; Neoplastic Syndromes, Hereditary. Identifiers: Orphanet 140162, MedGen C0027672, MeSH D009386, MONDO:0015356.

Submissions (2):

GeneDx
Classification: Uncertain significance. Last evaluated: 2025-07-16. Review status: criteria provided, single submitter. Criteria: GeneDx Variant Classification Process June 2021. Collection method: clinical testing. Allele origin: germline. Affected: yes.
Comment: Has not been previously published as pathogenic or benign to our knowledge; In silico analysis supports that this missense variant has a deleterious effect on protein structure/function; Not observed at significant frequency in large population cohorts (gnomAD)

Ambry Genetics
Classification: Uncertain significance for Cardiovascular phenotype; Hereditary cancer-predisposing syndrome. Last evaluated: 2025-04-02. Review status: criteria provided, single submitter. Criteria: Ambry Variant Classification Scheme 2023. Collection method: clinical testing. Allele origin: germline.
Comment: The p.S122P variant (also known as c.364T>C), located in coding exon 4 of the LZTR1 gene, results from a T to C substitution at nucleotide position 364. The serine at codon 122 is replaced by proline, an amino acid with similar properties. This amino acid position is highly conserved in available vertebrate species. In addition, this alteration is predicted to be deleterious by in silico analysis. Based on the available evidence, the clinical significance of this variant remains unclear.